The following is an entry in ClinVar:

NM_012318.3(LETM1):c.920G>A (p.Arg307His)

Gene: LETM1 (leucine zipper and EF-hand containing transmembrane protein 1; minus strand). Cytogenetic location: 4p16.3.
Variant type: single nucleotide variant.
Coding change: c.920G>A on transcript NM_012318.3 (MANE Select); coding-DNA position 920, G replaced by A.
Protein change: p.Arg307His; replaces arginine 307 with histidine.
Molecular consequence: missense variant.
Genome position (GRCh38, 1-based): chr4:1,832,904, C>T on the plus strand (G>A on the coding strand, the complement: LETM1 is on the minus strand). VCF-style: chr4-1832904-C-T. GRCh37 (hg19) VCF-style: chr4-1834631-C-T.
Other names: c.920G>A (NM_012318.2); short protein forms R307H.
Identifiers: ClinVar variation 2691343 (VCV002691343.2), dbSNP rs368250894, ClinGen allele CA2811465.

ClinVar aggregate classification (germline): Uncertain significance. Review status: criteria provided, multiple submitters, no conflicts (2 of 4 stars). 2 submissions from 2 submitters: Uncertain significance (2). Last evaluated 2025-08-02.

Conditions:
Inborn genetic diseases. Identifiers: MedGen C0950123, MeSH D030342.

Allele frequency attached by ClinVar (database versions not stated): ExAC 0.00001; gnomAD 0.00002; TOPMed 0.00002; gnomAD exomes 0.00004; ESP Exome Variant Server 0.00008.
gnomAD v4.1: 62 of 1,612,838 alleles (0.0038%); highest among the groups gnomAD compares: Non-Finnish European, 0.0049%; no homozygotes.

Submissions (2):

Ambry Genetics
Classification: Uncertain significance for Inborn genetic diseases. Last evaluated: 2025-08-02. Review status: criteria provided, single submitter. Criteria: Ambry Variant Classification Scheme 2023. Collection method: clinical testing. Allele origin: germline.

Women's Health and Genetics/Laboratory Corporation of America, LabCorp
Classification: Uncertain significance. Last evaluated: 2023-12-19. Review status: criteria provided, single submitter. Criteria: LabCorp Variant Classification Summary - May 2015. Collection method: clinical testing. Allele origin: germline.
Comment: Variant summary: LETM1 c.920G>A (p.Arg307His) results in a non-conservative amino acid change in the encoded protein sequence. Three of five in-silico tools predict a damaging effect of the variant on protein function. The variant was absent in 251410 control chromosomes. The available data on variant occurrences in the general population are insufficient to allow any conclusion about variant significance. To our knowledge, no occurrence of c.920G>A in individuals affected with Neurodegeneration, Childhood-Onset, With Multisystem Involvement Due To Mitochondrial Dysfunction and no experimental evidence demonstrating its impact on protein function have been reported. No submitters have cited clinical-significance assessments for this variant to ClinVar after 2014. Based on the evidence outlined above, the variant was classified as uncertain significance.